The following is an entry in ClinVar:

NM_000260.4(MYO7A):c.1359C>T (p.Cys453=)

Gene: MYO7A (myosin VIIA; plus strand). Cytogenetic location: 11q13.5.
Variant type: single nucleotide variant.
Coding change: c.1359C>T on transcript NM_000260.4 (MANE Select); coding-DNA position 1359, C replaced by T.
Protein change: p.Cys453=; no amino-acid change (cysteine 453 retained).
Molecular consequence: synonymous variant.
Genome position (GRCh38, 1-based): chr11:77,162,135, C>T. VCF-style: chr11-77162135-C-T. GRCh37 (hg19) VCF-style: chr11-76873181-C-T.
Other names: c.1359C>T, p.Cys453= (NM_001127180.2); c.1326C>T, p.Cys442= (NM_001369365.1).
Identifiers: ClinVar variation 1160037 (VCV001160037.30), dbSNP rs1555069272, ClinGen allele CA475793610.
Genomic context (GRCh38, chr11:77,162,135, plus strand): 5'-GTGGGGCCTGAACAACACCCTTACCCCATCCCTGTGCCCCTGCAGCTTTGAGCAGCTCTG[C>T]ATCAACTTCGCCAATGAGCACCTGCAGCAGTTCTTTGTGCGGCACGTGTTCAAGCTGGAG-3'
Protein context (NP_000251.3, residues 443-463): NFAVNSFEQL[Cys453=]INFANEHLQQ

ClinVar aggregate classification (germline): Likely benign. Review status: criteria provided, multiple submitters, no conflicts (2 of 4 stars). 2 submissions from 2 submitters: Likely benign (2). Last evaluated 2024-04-01.

Allele frequency attached by ClinVar (database versions not stated): gnomAD exomes below 0.00001.
gnomAD v4.1: 1 of 1,601,278 alleles (0.000062%); highest among the groups gnomAD compares: Non-Finnish European, 0.000085%; no homozygotes.

Submissions (2):

CeGaT Center for Human Genetics Tuebingen
Classification: Likely benign. Last evaluated: 2024-04-01. Review status: criteria provided, single submitter. Criteria: CeGaT Center For Human Genetics Tuebingen Variant Classification Criteria Version 2. Collection method: clinical testing. Allele origin: germline. Affected: yes. Observed: 1 variant allele.
Comment: MYO7A: BP4, BP7

Labcorp Genetics (formerly Invitae), Labcorp
Classification: Likely benign. Last evaluated: 2022-08-08. Review status: criteria provided, single submitter. Criteria: Invitae Variant Classification Sherloc (09022015). Collection method: clinical testing. Allele origin: germline.